The following is an entry in ClinVar:

ClinVar aggregate classification (germline): Uncertain significance (1 of 4 stars; one submission).

Allele frequency attached by ClinVar (database versions not stated): TOPMed below 0.00001; ExAC 0.00005; gnomAD 0.00007; gnomAD exomes 0.00007 and 0.00009.
gnomAD v4.1: 57 of 1,611,188 alleles (0.0035%); highest among the groups gnomAD compares: Non-Finnish European, 0.00025%; no homozygotes.

Submission:

Labcorp Genetics (formerly Invitae), Labcorp
Classification: Uncertain significance. Last evaluated: 2021-08-11. Review status: criteria provided, single submitter. Criteria: Invitae Variant Classification Sherloc (09022015). Collection method: clinical testing. Allele origin: germline.
Comment: Algorithms developed to predict the effect of missense changes on protein structure and function are either unavailable or do not agree on the potential impact of this missense change (SIFT: "Deleterious"; PolyPhen-2: "Probably Damaging"; Align-GVGD: "Class C0"). This variant has not been reported in the literature in individuals affected with RAB28-related conditions. This variant is present in population databases (rs201945581, ExAC 0.06%). This sequence change replaces alanine with threonine at codon 196 of the RAB28 protein (p.Ala196Thr). The alanine residue is highly conserved and there is a small physicochemical difference between alanine and threonine. In summary, the available evidence is currently insufficient to determine the role of this variant in disease. Therefore, it has been classified as a Variant of Uncertain Significance.

NM_004249.4(RAB28):c.586G>A (p.Ala196Thr)

Gene: RAB28 (RAB28, member RAS oncogene family; minus strand). Cytogenetic location: 4p15.33.
Variant type: single nucleotide variant.
Coding change: c.586G>A on transcript NM_004249.4 (MANE Plus Clinical); coding-DNA position 586, G replaced by A.
Protein change: p.Ala196Thr; replaces alanine 196 with threonine.
Molecular consequence: missense variant. On other transcripts: intron variant (2).
Genome position (GRCh38, 1-based): chr4:13,369,953, C>T on the plus strand (G>A on the coding strand, the complement: RAB28 is on the minus strand). VCF-style: chr4-13369953-C-T. GRCh37 (hg19) VCF-style: chr4-13371577-C-T.
Other names: c.574-1303G>A (NM_001017979.3); c.*32-1303G>A (NM_001159601.2); short protein forms A196T.
Identifiers: ClinVar variation 1360793 (VCV001360793.6), dbSNP rs201945581, ClinGen allele CA2859997.